The following is an entry in ClinVar:

NM_015404.4(WHRN):c.49T>C (p.Ser17Pro)

Gene: WHRN (whirlin; minus strand). Cytogenetic location: 9q32.
Variant type: single nucleotide variant.
Coding change: c.49T>C on transcript NM_015404.4 (MANE Select); coding-DNA position 49, T replaced by C.
Protein change: p.Ser17Pro; replaces serine 17 with proline.
Molecular consequence: missense variant.
Genome position (GRCh38, 1-based): chr9:114,504,753, A>G on the plus strand (T>C on the coding strand, the complement: WHRN is on the minus strand). VCF-style: chr9-114504753-A-G. GRCh37 (hg19) VCF-style: chr9-117267033-A-G.
Other names: c.49T>C, p.Ser17Pro (NM_001173425.2); short protein forms S17P.
Identifiers: ClinVar variation 999113 (VCV000999113.8), dbSNP rs918836104, ClinGen allele CA198660504.

ClinVar aggregate classification (germline): Uncertain significance (1 of 4 stars; one submission).

Allele frequency attached by ClinVar (database versions not stated): gnomAD 0.00002; TOPMed 0.00003.
gnomAD v4.1: 4 of 1,508,388 alleles (0.00027%); highest among the groups gnomAD compares: Admixed American, 0.0064%; no homozygotes.

Submission:

Labcorp Genetics (formerly Invitae), Labcorp
Classification: Uncertain significance. Last evaluated: 2021-01-13. Review status: criteria provided, single submitter. Criteria: Invitae Variant Classification Sherloc (09022015). Collection method: clinical testing. Allele origin: germline.
Comment: In summary, the available evidence is currently insufficient to determine the role of this variant in disease. Therefore, it has been classified as a Variant of Uncertain Significance. Algorithms developed to predict the effect of missense changes on protein structure and function are either unavailable or do not agree on the potential impact of this missense change (SIFT: "Tolerated"; PolyPhen-2: "Probably Damaging"; Align-GVGD: "Class C0"). This variant has not been reported in the literature in individuals with WHRN-related conditions. The frequency data for this variant in the population databases is considered unreliable, as metrics indicate insufficient coverage at this position in the ExAC database. This sequence change replaces serine with proline at codon 17 of the WHRN protein (p.Ser17Pro). The serine residue is moderately conserved and there is a moderate physicochemical difference between serine and proline.